The following is an entry in ClinVar:

NM_004714.3(DYRK1B):c.408T>C (p.Leu136=)

Gene: DYRK1B (dual specificity tyrosine phosphorylation regulated kinase 1B; minus strand). Cytogenetic location: 19q13.2.
Variant type: single nucleotide variant.
Coding change: c.408T>C on transcript NM_004714.3 (MANE Select); coding-DNA position 408, T replaced by C.
Protein change: p.Leu136=; no amino-acid change (leucine 136 retained).
Molecular consequence: synonymous variant.
Genome position (GRCh38, 1-based): chr19:39,829,992, A>G on the plus strand (T>C on the coding strand, the complement: DYRK1B is on the minus strand). VCF-style: chr19-39829992-A-G. GRCh37 (hg19) VCF-style: chr19-40320632-A-G.
Other names: c.408T>C, p.Leu136= (NM_006483.3, NM_006484.3).
Identifiers: ClinVar variation 3350467 (VCV003350467.1).

ClinVar aggregate classification (germline): Likely benign (0 of 4 stars; one submission).

Conditions:
DYRK1B-related disorder. Also called: DYRK1B-related condition.

gnomAD v4.1: 2 of 1,614,070 alleles (0.00012%); highest among the groups gnomAD compares: Admixed American, 0.0033%; no homozygotes.

Submission:

PreventionGenetics, part of Exact Sciences
Classification: Likely benign for DYRK1B-related condition. Last evaluated: 2024-06-21. Review status: no assertion criteria provided. Collection method: clinical testing. Allele origin: germline.
Comment: This variant is classified as likely benign based on ACMG/AMP sequence variant interpretation guidelines (Richards et al. 2015 PMID: 25741868, with internal and published modifications).